The following is an entry in ClinVar:

ClinVar aggregate classification (germline): Likely benign (1 of 4 stars; one submission).

Allele frequency attached by ClinVar (database versions not stated): gnomAD 0.00001; ExAC 0.00001.
gnomAD v4.1: 2 of 1,612,114 alleles (0.00012%); highest among the groups gnomAD compares: Non-Finnish European, 0.00017%; no homozygotes.

Submission:

GeneDx
Classification: Likely benign. Last evaluated: 2018-05-29. Review status: criteria provided, single submitter. Criteria: GeneDx Variant Classification (06012015). Collection method: clinical testing. Allele origin: germline. Affected: yes.
Comment: This variant is considered likely benign or benign based on one or more of the following criteria: it is a conservative change, it occurs at a poorly conserved position in the protein, it is predicted to be benign by multiple in silico algorithms, and/or has population frequency not consistent with disease.

NM_003859.1(DPM1):c.-33A>C

Genes: DPM1 (dolichyl-phosphate mannosyltransferase subunit 1, catalytic; minus strand), LOC130066166 (ATAC-STARR-seq lymphoblastoid active region 18108; plus strand). Cytogenetic location: 20q13.13.
Variant type: single nucleotide variant.
Coding change: c.-33A>C on transcript NM_003859.1; 33 bases upstream of the start codon, A replaced by C.
Molecular consequence: 5 prime UTR variant (on NM_001317034.1).
Genome position (GRCh38, 1-based): chr20:50,958,556, T>G on the plus strand (A>C on the coding strand, the complement: DPM1 is on the minus strand). VCF-style: chr20-50958556-T-G. GRCh37 (hg19) VCF-style: chr20-49575093-T-G.
Other names: c.-33A>C (NM_001317034.1, NM_001317035.1, NM_001317036.1).
Identifiers: ClinVar variation 668343 (VCV000668343.3), dbSNP rs773483062, ClinGen allele CA9909297.
Genomic context (GRCh38, chr20:50,958,556, plus strand): 5'-GACTACGACTGACTTCCAAGGAGGCCATGGCGGAACTGAGCCAGATGCCGGAAGCGGAAT[T>G]ACGTAATGTGGCGCGGAAAAGGACGGGTCGGACCGTACCAAATTCGGAAGCGGGGGATGA-3'